The following is an entry in ClinVar:

NM_003803.4(MYOM1):c.1951C>T (p.Arg651Trp)

Gene: MYOM1 (myomesin 1; minus strand). Cytogenetic location: 18p11.31.
Variant type: single nucleotide variant.
Coding change: c.1951C>T on transcript NM_003803.4 (MANE Select); coding-DNA position 1951, C replaced by T.
Protein change: p.Arg651Trp; replaces arginine 651 with tryptophan.
Molecular consequence: missense variant.
Genome position (GRCh38, 1-based): chr18:3,142,013, G>A on the plus strand (C>T on the coding strand, the complement: MYOM1 is on the minus strand). VCF-style: chr18-3142013-G-A. GRCh37 (hg19) VCF-style: chr18-3142011-G-A.
Other names: c.1951C>T, p.Arg651Trp (NM_019856.2); short protein forms R651W.
Identifiers: ClinVar variation 1783244 (VCV001783244.6), dbSNP rs1042376495, ClinGen allele CA295523988.

ClinVar aggregate classification (germline): Uncertain significance. Review status: criteria provided, multiple submitters, no conflicts (2 of 4 stars). 2 submissions from 2 submitters: Uncertain significance (2). Last evaluated 2025-01-23.

Conditions:
Hypertrophic cardiomyopathy. Also called: HYPERTROPHIC MYOCARDIOPATHY. Identifiers: Orphanet 217569, MedGen C0007194, MeSH D002312, MONDO:0005045, HP:0001639.

Allele frequency attached by ClinVar (database versions not stated): gnomAD exomes 0.00001; TOPMed 0.00001; gnomAD 0.00002.
gnomAD v4.1: 27 of 1,613,562 alleles (0.0017%); highest among the groups gnomAD compares: African/African-American, 0.0053%; no homozygotes.

Submissions (2):

Labcorp Genetics (formerly Invitae), Labcorp
Classification: Uncertain significance for Hypertrophic cardiomyopathy. Last evaluated: 2025-01-23. Review status: criteria provided, single submitter. Criteria: Invitae Variant Classification Sherloc (09022015). Collection method: clinical testing. Allele origin: germline.
Comment: This sequence change replaces arginine, which is basic and polar, with tryptophan, which is neutral and slightly polar, at codon 651 of the MYOM1 protein (p.Arg651Trp). This variant is present in population databases (no rsID available, gnomAD 0.0009%). This variant has not been reported in the literature in individuals affected with MYOM1-related conditions. ClinVar contains an entry for this variant (Variation ID: 1783244). Invitae Evidence Modeling of protein sequence and biophysical properties (such as structural, functional, and spatial information, amino acid conservation, physicochemical variation, residue mobility, and thermodynamic stability) indicates that this missense variant is not expected to disrupt MYOM1 protein function with a negative predictive value of 80%. In summary, the available evidence is currently insufficient to determine the role of this variant in disease. Therefore, it has been classified as a Variant of Uncertain Significance.

Ambry Genetics
Classification: Uncertain significance. Last evaluated: 2024-07-14. Review status: criteria provided, single submitter. Criteria: Ambry Variant Classification Scheme 2023. Collection method: clinical testing. Allele origin: germline.